The following is an entry in ClinVar:

ClinVar aggregate classification (germline): Uncertain significance (1 of 4 stars; one submission).

Conditions:
X-linked severe combined immunodeficiency (SCIDX1). Also called: IMMUNODEFICIENCY 4; SCID, X-LINKED; SEVERE COMBINED IMMUNODEFICIENCY, X-LINKED, T CELL-NEGATIVE, B CELL-POSITIVE, NK CELL-NEGATIVE; X-Linked Combined Immunodeficiency Diseases; T-B+ severe combined immunodeficiency due to gamma chain deficiency. Identifiers: Orphanet 276, MedGen C6022468, MONDO:0010315, OMIM 300400. Disease mechanism: loss of function.

Submission:

Labcorp Genetics (formerly Invitae), Labcorp
Classification: Uncertain significance for X-linked severe combined immunodeficiency. Last evaluated: 2018-10-29. Review status: criteria provided, single submitter. Criteria: Invitae Variant Classification Sherloc (09022015). Collection method: clinical testing. Allele origin: germline.
Comment: In summary, the available evidence is currently insufficient to determine the role of this variant in disease. Therefore, it has been classified as a Variant of Uncertain Significance. Algorithms developed to predict the effect of sequence changes on RNA splicing suggest that this variant may create or strengthen a splice site, but this prediction has not been confirmed by published transcriptional studies. Algorithms developed to predict the effect of missense changes on protein structure and function (SIFT, PolyPhen-2, Align-GVGD) all suggest that this variant is likely to be tolerated, but these predictions have not been confirmed by published functional studies and their clinical significance is uncertain. This variant has not been reported in the literature in individuals with IL2RG-related disease. This variant is not present in population databases (ExAC no frequency). This sequence change replaces methionine with valine at codon 145 of the IL2RG protein (p.Met145Val). The methionine residue is weakly conserved and there is a small physicochemical difference between methionine and valine.

NM_000206.3(IL2RG):c.433A>G (p.Met145Val)

Gene: IL2RG (interleukin 2 receptor subunit gamma; minus strand). Cytogenetic location: Xq13.1.
Variant type: single nucleotide variant.
Coding change: c.433A>G on transcript NM_000206.3 (MANE Select); coding-DNA position 433, A replaced by G.
Protein change: p.Met145Val; replaces methionine 145 with valine.
Molecular consequence: missense variant.
Genome position (GRCh38, 1-based): chrX:71,110,525, T>C on the plus strand (A>G on the coding strand, the complement: IL2RG is on the minus strand). VCF-style: chrX-71110525-T-C. GRCh37 (hg19) VCF-style: chrX-70330375-T-C.
Other names: short protein forms M145V.
Identifiers: ClinVar variation 655861 (VCV000655861.8), dbSNP rs1602289401, ClinGen allele CA413496568.